The following is an entry in ClinVar:

NM_001034116.2(EIF2B4):c.1217A>G (p.His406Arg)

Genes: EIF2B4 (eukaryotic translation initiation factor 2B subunit delta; minus strand), GTF3C2-AS2 (GTF3C2 antisense RNA 2; plus strand). Cytogenetic location: 2p23.3.
Variant type: single nucleotide variant.
Coding change: c.1217A>G on transcript NM_001034116.2 (MANE Select); coding-DNA position 1217, A replaced by G.
Protein change: p.His406Arg; replaces histidine 406 with arginine.
Molecular consequence: missense variant.
Genome position (GRCh38, 1-based): chr2:27,364,873, T>C on the plus strand (A>G on the coding strand, the complement: EIF2B4 is on the minus strand). VCF-style: chr2-27364873-T-C. GRCh37 (hg19) VCF-style: chr2-27587740-T-C.
Other names: c.1280A>G, p.His427Arg (NM_001318965.2); c.1172A>G, p.His391Arg (NM_001318966.2); c.1124A>G, p.His375Arg (NM_001318967.2); c.632A>G, p.His211Arg (NM_001318968.2); c.599A>G, p.His200Arg (NM_001318969.2); c.1214A>G, p.His405Arg (NM_015636.4); c.1277A>G, p.His426Arg (NM_172195.4); short protein forms H200R, H211R, H375R, H391R, H405R, H406R, H426R, H427R.
Identifiers: ClinVar variation 4292420 (VCV004292420.1).

ClinVar aggregate classification (germline): Uncertain significance (1 of 4 stars; one submission).

Conditions:
Leukoencephalopathy with vanishing white matter 4 (VWM4). Also called: Leukoencephalopathy with vanishing white matter 4, with or without ovarian failure; EIF2B4-Related Childhood Ataxia with Central Nervous System Hypomyelination/Vanishing White Matter. Identifiers: MedGen C5830406, MONDO:0957872, OMIM 620314.

gnomAD v4.1: 6 of 1,614,138 alleles (0.00037%); highest among the groups gnomAD compares: Non-Finnish European, 0.00051%; no homozygotes.

Submission:

3billion
Classification: Uncertain significance for Leukoencephalopathy with vanishing white matter 4. Last evaluated: 2024-07-23. Review status: criteria provided, single submitter. Criteria: ACMG Guidelines, 2015. Collection method: clinical testing. Allele origin: germline. Affected: yes.
Comment: The variant is observed at an extremely low frequency in the gnomAD v4.0.0 dataset (total allele frequency: <0.001%). Predicted Consequence/Location: Missense variant In silico tool predictions suggest damaging effect of the variant on gene or gene product [REVEL: 0.91 (>=0.6, sensitivity 0.68 and specificity 0.92)]. Therefore, this variant is classified as VUS according to the recommendation of ACMG/AMP guideline.